The following is an entry in ClinVar:

ClinVar aggregate classification (germline): Uncertain significance (1 of 4 stars; one submission).

Conditions:
Hereditary cancer-predisposing syndrome. Also called: Tumor predisposition; Hereditary neoplastic syndrome; Neoplastic Syndromes, Hereditary; Hereditary Cancer Syndrome. Identifiers: Orphanet 140162, MedGen C0027672, MeSH D009386, MONDO:0015356.

Submission:

Ambry Genetics
Classification: Uncertain significance for Hereditary cancer-predisposing syndrome. Last evaluated: 2025-04-17. Review status: criteria provided, single submitter. Criteria: Ambry Variant Classification Scheme 2023. Collection method: clinical testing. Allele origin: germline.
Comment: The p.C766F variant (also known as c.2297G>T), located in coding exon 11 of the BARD1 gene, results from a G to T substitution at nucleotide position 2297. The cysteine at codon 766 is replaced by phenylalanine, an amino acid with highly dissimilar properties. This amino acid position is conserved. In addition, the in silico prediction for this alteration is inconclusive. Based on the available evidence, the clinical significance of this variant remains unclear.

NM_000465.4(BARD1):c.2297G>T (p.Cys766Phe)

Gene: BARD1 (BRCA1 associated RING domain 1; minus strand). Cytogenetic location: 2q35.
Variant type: single nucleotide variant.
Coding change: c.2297G>T on transcript NM_000465.4 (MANE Select); coding-DNA position 2297, G replaced by T.
Protein change: p.Cys766Phe; replaces cysteine 766 with phenylalanine.
Molecular consequence: missense variant. On other transcripts: non-coding transcript variant (3).
Genome position (GRCh38, 1-based): chr2:214,728,713, C>A on the plus strand (G>T on the coding strand, the complement: BARD1 is on the minus strand). VCF-style: chr2-214728713-C-A. GRCh37 (hg19) VCF-style: chr2-215593437-C-A.
Other names: c.2240G>T, p.Cys747Phe (NM_001282543.2); c.944G>T, p.Cys315Phe (NM_001282545.2); c.887G>T, p.Cys296Phe (NM_001282548.2); c.758G>T, p.Cys253Phe (NM_001282549.2); short protein forms C747F, C253F, C296F, C315F, C766F.
Identifiers: ClinVar variation 3988410 (VCV003988410.1).
Genomic context (GRCh38, chr2:214,728,713, plus strand): 5'-GAAATGTTCATCTGGTATAATATTCAGCTGTCAAGAGGAAGCAACTCAAAGGACATCACA[C>A]AGTCTATAAACCAGCTCGAAGGAGCCTTCCAGACTTTGCCCTGCCGAACCCTCTCTGGGT-3'
Protein context (NP_000456.2, residues 756-776): WKAPSSWFID[Cys766Phe]VMSFELLPLD